The following is an entry in ClinVar:

ClinVar aggregate classification (germline): Likely benign. Review status: criteria provided, single submitter (1 of 4 stars). 2 submissions from 2 submitters: Likely benign (1). 1 of the submissions does not count toward it. Last evaluated 2021-07-27.

Conditions:
Inborn genetic diseases. Identifiers: MedGen C0950123, MeSH D030342.
KDM6B-related disorder. Also called: KDM6B-related condition.

Allele frequency attached by ClinVar (database versions not stated): gnomAD exomes 0.00004; ExAC 0.00013; gnomAD 0.00032; 1000 Genomes Project 30x 0.00094; 1000 Genomes Project 0.00120.
gnomAD v4.1: 95 of 1,332,390 alleles (0.0071%); highest among the groups gnomAD compares: African/African-American, 0.11%; no homozygotes.

Submissions (2):

Ambry Genetics
Classification: Likely benign for Inborn genetic diseases. Last evaluated: 2021-07-27. Review status: criteria provided, single submitter. Criteria: Ambry Variant Classification Scheme 2023. Collection method: clinical testing. Allele origin: germline.

PreventionGenetics, part of Exact Sciences
Classification: Uncertain significance for KDM6B-related condition. Last evaluated: 2023-12-10. Review status: no assertion criteria provided. Collection method: clinical testing. Allele origin: germline. Not counted in ClinVar's aggregate classification.
Comment: The KDM6B c.1466C>T variant is predicted to result in the amino acid substitution p.Pro489Leu. To our knowledge, this variant has not been reported in the literature. This variant is reported in 0.076% of alleles in individuals of African descent in gnomAD. Although we suspect that this variant may be benign, at this time, the clinical significance of this variant is uncertain due to the absence of conclusive functional and genetic evidence.

NM_001348716.2(KDM6B):c.1466C>T (p.Pro489Leu)

Gene: KDM6B (lysine demethylase 6B; plus strand). Cytogenetic location: 17p13.1.
Variant type: single nucleotide variant.
Coding change: c.1466C>T on transcript NM_001348716.2 (MANE Select); coding-DNA position 1466, C replaced by T.
Protein change: p.Pro489Leu; replaces proline 489 with leucine.
Molecular consequence: missense variant.
Genome position (GRCh38, 1-based): chr17:7,847,754, C>T. VCF-style: chr17-7847754-C-T. GRCh37 (hg19) VCF-style: chr17-7751072-C-T.
Other names: c.1466C>T, p.Pro489Leu (NM_001080424.2); short protein forms P489L.
Identifiers: ClinVar variation 2392450 (VCV002392450.4), dbSNP rs568341022, ClinGen allele CA8360658.
Genomic context (GRCh38, chr17:7,847,754, plus strand): 5'-CTCCACCCCCCTGTCCCCGCCTCTTACGCCCCCCACCACCCCCTGCCTGGTTGAAGGGTC[C>T]GGCCTGCCGGGCAGCCCGAGAGGATGGAGAGATCTTAGAAGAGCTCTTCTTTGGGACTGA-3'
Protein context (NP_001335645.1, residues 479-499): PPPPPAWLKG[Pro489Leu]ACRAAREDGE